The following is an entry in ClinVar:

ClinVar aggregate classification (germline): Uncertain significance. Review status: criteria provided, multiple submitters, no conflicts (2 of 4 stars). 5 submissions from 5 submitters: Uncertain significance (5). Last evaluated 2025-06-07.

Conditions:
Dilated cardiomyopathy 1KK (CMD1KK). Identifiers: Orphanet 154, Orphanet 75249, MedGen C3714995, MONDO:0014100, OMIM 615248.
MYPN-related myopathy (CMYO24). Also called: Nemaline myopathy 11, autosomal recessive. Identifiers: MedGen C4479186, MONDO:0015023, OMIM 617336.
Cardiovascular phenotype. Identifiers: MedGen CN230736.
Primary dilated cardiomyopathy (DCM). Also called: Dilated Cardiomyopathy. Identifiers: Orphanet 217604, MedGen C0007193, MeSH D002311, MONDO:0005021, HP:0001644. Inheritance: Various modes of inheritance.

Allele frequency attached by ClinVar (database versions not stated): ExAC 0.00001.
gnomAD v4.1: 25 of 1,613,696 alleles (0.0015%); highest among the groups gnomAD compares: South Asian, 0.0033%; no homozygotes.

Submissions (5):

Ambry Genetics
Classification: Uncertain significance for Cardiovascular phenotype. Last evaluated: 2025-06-07. Review status: criteria provided, single submitter. Criteria: Ambry Variant Classification Scheme 2023. Collection method: clinical testing. Allele origin: germline.

Revvity Omics, Revvity
Classification: Uncertain significance. Last evaluated: 2025-03-14. Review status: criteria provided, single submitter. Criteria: ACMG Guidelines, 2015. Collection method: clinical testing. Allele origin: germline.

Fulgent Genetics
Classification: Uncertain significance for Dilated cardiomyopathy 1KK; MYPN-related myopathy. Last evaluated: 2024-05-06. Review status: criteria provided, single submitter. Criteria: ACMG Guidelines, 2015. Collection method: clinical testing. Allele origin: germline.

Labcorp Genetics (formerly Invitae), Labcorp
Classification: Uncertain significance for Dilated cardiomyopathy 1KK. Last evaluated: 2020-01-13. Review status: criteria provided, single submitter. Criteria: Invitae Variant Classification Sherloc (09022015). Collection method: clinical testing. Allele origin: germline.
Comment: This sequence change replaces arginine with tryptophan at codon 1091 of the MYPN protein (p.Arg1091Trp). The arginine residue is highly conserved and there is a moderate physicochemical difference between arginine and tryptophan. This variant is present in population databases (rs754707304, ExAC 0.006%). This variant has not been reported in the literature in individuals with MYPN-related conditions. Algorithms developed to predict the effect of missense changes on protein structure and function are either unavailable or do not agree on the potential impact of this missense change (SIFT: "Deleterious"; PolyPhen-2: "Probably Damaging"; Align-GVGD: "Class C15"). In summary, the available evidence is currently insufficient to determine the role of this variant in disease. Therefore, it has been classified as a Variant of Uncertain Significance.

Genetics and Genomics Program, Sidra Medicine
Classification: Uncertain significance for Primary dilated cardiomyopathy. Review status: criteria provided, single submitter. Criteria: ACMG Guidelines, 2015. Collection method: research. Allele origin: unknown. Affected: yes. Observed: 1 variant allele.

NM_032578.4(MYPN):c.3271C>T (p.Arg1091Trp)

Gene: MYPN (myopalladin; plus strand). Cytogenetic location: 10q21.3.
Variant type: single nucleotide variant.
Coding change: c.3271C>T on transcript NM_032578.4 (MANE Select); coding-DNA position 3271, C replaced by T.
Protein change: p.Arg1091Trp; replaces arginine 1091 with tryptophan.
Molecular consequence: missense variant. On other transcripts: non-coding transcript variant (2).
Genome position (GRCh38, 1-based): chr10:68,197,464, C>T. VCF-style: chr10-68197464-C-T. GRCh37 (hg19) VCF-style: chr10-69957221-C-T.
Other names: c.3271C>T, p.Arg1091Trp (NM_001256267.2); c.2389C>T, p.Arg797Trp (NM_001256268.2); c.3271C>T (NM_032578.2); short protein forms R1091W, R797W.
Identifiers: ClinVar variation 863004 (VCV000863004.9), dbSNP rs754707304, ClinGen allele CA5522997.
Genomic context (GRCh38, chr10:68,197,464, plus strand): 5'-TTCCGACCACATTTCCTGCAGGCTCCTGGGGATATGGTAGCTCATGAGGGGCGCCTCTGT[C>T]GGCTGGACTGTAAGGTAGACTCCAGCACCCATGCTTAGTTCCAGATCTGTTCATATTTTG-3'
Protein context (NP_115967.2, residues 1081-1101): DMVAHEGRLC[Arg1091Trp]LDCKVSGLPP